The following is an entry in ClinVar:

NM_147127.5(EVC2):c.2637_2638dup (p.Phe880fs)

Gene: EVC2 (EvC ciliary complex subunit 2; minus strand). Cytogenetic location: 4p16.2.
Variant type: Duplication.
Coding change: c.2637_2638dup on transcript NM_147127.5 (MANE Select); coding-DNA positions 2637 to 2638, 2 bases duplicated (AT; older notation c.2637_2638dupAT).
Protein change: p.Phe880fs; shifts the reading frame from phenylalanine 880.
Molecular consequence: frameshift variant.
Genome position (GRCh38, 1-based): chr4:5,618,546-5,618,547, AT duplicated on the plus strand (AT on the coding strand, the reverse complement: EVC2 is on the minus strand). VCF-style (leftmost placement, unchanged base first): chr4-5618545-A-AAT. GRCh37 (hg19) VCF-style: chr4-5620272-A-AAT.
Other names: c.2397_2398dup, p.Phe800fs (NM_001166136.2); short protein forms F880fs, F800fs.
Identifiers: ClinVar variation 1454849 (VCV001454849.7), dbSNP rs2108833230, ClinGen allele CA2573138249.

ClinVar aggregate classification (germline): Pathogenic (1 of 4 stars; one submission).

Conditions:
Ellis-van Creveld syndrome (EVC). Also called: EVC-Related Ellis-van Creveld Syndrome; EVC2-Related Ellis-van Creveld Syndrome; MESOECTODERMAL DYSPLASIA; Chondroectodermal dysplasia. Identifiers: Orphanet 289, MedGen C0013903, MONDO:0009162, OMIM 225500.
Curry-Hall syndrome (WAD). Also called: WEYERS ACRODENTAL DYSOSTOSIS. Identifiers: Orphanet 952, MedGen C0457013, MONDO:0008673, OMIM 193530.

Submission:

Labcorp Genetics (formerly Invitae), Labcorp
Classification: Pathogenic for Curry-Hall syndrome; Ellis-van Creveld syndrome. Last evaluated: 2021-02-18. Review status: criteria provided, single submitter. Criteria: Invitae Variant Classification Sherloc (09022015). Collection method: clinical testing. Allele origin: germline.
Comment: This variant has not been reported in the literature in individuals with EVC2-related conditions. For these reasons, this variant has been classified as Pathogenic. This variant is not present in population databases (ExAC no frequency). This sequence change creates a premature translational stop signal (p.Phe880Tyrfs*12) in the EVC2 gene. It is expected to result in an absent or disrupted protein product. Loss-of-function variants in EVC2 are known to be pathogenic (PMID: 17024374, 19810119, 19876929).

Literature cited by the submitters: PubMed 17024374; PubMed 19810119; PubMed 19876929.